The following is an entry in ClinVar:

NM_001130987.2(DYSF):c.5591T>C (p.Leu1864Pro)

Gene: DYSF (dysferlin; plus strand). Cytogenetic location: 2p13.2.
Variant type: single nucleotide variant.
Coding change: c.5591T>C on transcript NM_001130987.2 (MANE Select); coding-DNA position 5591, T replaced by C.
Protein change: p.Leu1864Pro; replaces leucine 1864 with proline.
Molecular consequence: missense variant.
Genome position (GRCh38, 1-based): chr2:71,669,156, T>C. VCF-style: chr2-71669156-T-C. GRCh37 (hg19) VCF-style: chr2-71896286-T-C.
Other names: c.5477T>C, p.Leu1826Pro (NM_001130455.2); c.5432T>C, p.Leu1811Pro (NM_001130976.2); c.5495T>C, p.Leu1832Pro (NM_001130977.2); c.5537T>C, p.Leu1846Pro (NM_001130978.2); c.5567T>C, p.Leu1856Pro (NM_001130979.2); c.5525T>C, p.Leu1842Pro (NM_001130980.2); c.5588T>C, p.Leu1863Pro (NM_001130981.2); c.5570T>C, p.Leu1857Pro (NM_001130982.2); and 5 more; short protein forms L1846P, L1863P, L1826P, L1842P, L1843P, L1847P, L1857P, L1811P.
Identifiers: ClinVar variation 854870 (VCV000854870.7), dbSNP rs768704227, ClinGen allele CA1707438.

ClinVar aggregate classification (germline): Uncertain significance. Review status: criteria provided, multiple submitters, no conflicts (2 of 4 stars). 3 submissions from 3 submitters: Uncertain significance (2). 1 of the submissions does not count toward it. Last evaluated 2025-08-29.

Conditions:
Inborn genetic diseases. Identifiers: MedGen C0950123, MeSH D030342.
Neuromuscular disease caused by qualitative or quantitative defects of dysferlin. Also called: Qualitative or quantitative defects of dysferlin; Dysferlinopathy. Identifiers: Orphanet 207073, MedGen C2931687, MONDO:0016145.
Autosomal recessive limb-girdle muscular dystrophy type 2B (LGMDR2). Also called: Limb-Girdle Muscular Dystrophy Type 2B (LGMD2B); Limb-girdle muscular dystrophy, type 2B; MUSCULAR DYSTROPHY, LIMB-GIRDLE, TYPE 3; MUSCULAR DYSTROPHY, LIMB-GIRDLE, AUTOSOMAL RECESSIVE 2. Identifiers: Orphanet 268, MedGen C1850889, MONDO:0009676, OMIM 253601.

Allele frequency attached by ClinVar (database versions not stated): ExAC 0.00001; gnomAD exomes 0.00001.
gnomAD v4.1: 4 of 1,610,616 alleles (0.00025%); highest among the groups gnomAD compares: South Asian, 0.0033%; no homozygotes.

Submissions (3):

Ambry Genetics
Classification: Uncertain significance for Inborn genetic diseases. Last evaluated: 2025-08-29. Review status: criteria provided, single submitter. Criteria: Ambry Variant Classification Scheme 2023. Collection method: clinical testing. Allele origin: germline.

Labcorp Genetics (formerly Invitae), Labcorp
Classification: Uncertain significance for Neuromuscular disease caused by qualitative or quantitative defects of dysferlin. Last evaluated: 2024-09-05. Review status: criteria provided, single submitter. Criteria: Invitae Variant Classification Sherloc (09022015). Collection method: clinical testing. Allele origin: germline.
Comment: This sequence change replaces leucine, which is neutral and non-polar, with proline, which is neutral and non-polar, at codon 1825 of the DYSF protein (p.Leu1825Pro). This variant is present in population databases (rs768704227, gnomAD 0.003%). This variant has not been reported in the literature in individuals affected with DYSF-related conditions. ClinVar contains an entry for this variant (Variation ID: 854870). Invitae Evidence Modeling of protein sequence and biophysical properties (such as structural, functional, and spatial information, amino acid conservation, physicochemical variation, residue mobility, and thermodynamic stability) has been performed for this missense variant. However, the output from this modeling did not meet the statistical confidence thresholds required to predict the impact of this variant on DYSF protein function. In summary, the available evidence is currently insufficient to determine the role of this variant in disease. Therefore, it has been classified as a Variant of Uncertain Significance.

Natera, Inc.
Classification: Uncertain significance for Limb-girdle muscular dystrophy type 2B. Last evaluated: 2020-09-28. Review status: no assertion criteria provided. Collection method: clinical testing. Allele origin: germline. Not counted in ClinVar's aggregate classification.